The following is an entry in ClinVar:

NM_014915.3(ANKRD26):c.4664A>G (p.Tyr1555Cys)

Gene: ANKRD26 (ankyrin repeat domain 26; minus strand). Cytogenetic location: 10p12.1.
Variant type: single nucleotide variant.
Coding change: c.4664A>G on transcript NM_014915.3 (MANE Select); coding-DNA position 4664, A replaced by G.
Protein change: p.Tyr1555Cys; replaces tyrosine 1555 with cysteine.
Molecular consequence: missense variant.
Genome position (GRCh38, 1-based): chr10:27,014,554, T>C on the plus strand (A>G on the coding strand, the complement: ANKRD26 is on the minus strand). VCF-style: chr10-27014554-T-C. GRCh37 (hg19) VCF-style: chr10-27303483-T-C.
Other names: c.4661A>G, p.Tyr1554Cys (NM_001256053.2); short protein forms Y1554C, Y1555C.
Identifiers: ClinVar variation 4808548 (VCV004808548.1).

ClinVar aggregate classification (germline): Uncertain significance (1 of 4 stars; one submission).

gnomAD v4.1: 5 of 1,603,514 alleles (0.00031%); highest among the groups gnomAD compares: East Asian, 0.0022%; no homozygotes.

Submission:

Labcorp Genetics (formerly Invitae), Labcorp
Classification: Uncertain significance. Last evaluated: 2025-11-24. Review status: criteria provided, single submitter. Criteria: Invitae Variant Classification Sherloc (09022015). Collection method: clinical testing. Allele origin: germline.
Comment: This sequence change replaces tyrosine, which is neutral and polar, with cysteine, which is neutral and slightly polar, at codon 1555 of the ANKRD26 protein (p.Tyr1555Cys). This variant is not present in population databases (gnomAD no frequency). This variant has not been reported in the literature in individuals affected with ANKRD26-related conditions. An algorithm developed to predict the effect of missense changes on protein structure and function (PolyPhen-2) suggests that this variant is likely to be disruptive. Algorithms developed to predict the effect of sequence changes on RNA splicing suggest that this variant may disrupt the consensus splice site. In summary, the available evidence is currently insufficient to determine the role of this variant in disease. Therefore, it has been classified as a Variant of Uncertain Significance.